The following is an entry in ClinVar:

ClinVar aggregate classification (germline): Benign/Likely benign. Review status: criteria provided, multiple submitters, no conflicts (2 of 4 stars). 2 submissions from 2 submitters: Benign (1); Likely benign (1). Last evaluated 2026-09-01.

Allele frequency attached by ClinVar (database versions not stated): ExAC 0.01598; 1000 Genomes Project 30x 0.00625; 1000 Genomes Project 0.00659; TOPMed 0.01125; gnomAD 0.01174; ESP Exome Variant Server 0.01509.
gnomAD v4.1: 26,138 of 1,609,648 alleles (1.6%); highest among the groups gnomAD compares: Non-Finnish European, 1.9%; 263 homozygotes.

Submissions (2):

CeGaT Center for Human Genetics Tuebingen
Classification: Benign. Last evaluated: 2026-09-01. Review status: criteria provided, single submitter. Criteria: CeGaT Center For Human Genetics Tuebingen Variant Classification Criteria Version 2. Collection method: clinical testing. Allele origin: germline. Affected: yes. Observed: 5 variant alleles.
Comment: LCP2: BS1, BS2

Women's Health and Genetics/Laboratory Corporation of America, LabCorp
Classification: Likely benign. Last evaluated: 2026-01-22. Review status: criteria provided, single submitter. Criteria: LabCorp Variant Classification Summary - May 2015. Collection method: clinical testing. Allele origin: germline.

NM_005565.5(LCP2):c.1229C>G (p.Ser410Cys)

Gene: LCP2 (lymphocyte cytosolic protein 2; minus strand). Cytogenetic location: 5q35.1.
Variant type: single nucleotide variant.
Coding change: c.1229C>G on transcript NM_005565.5 (MANE Select); coding-DNA position 1229, C replaced by G.
Protein change: p.Ser410Cys; replaces serine 410 with cysteine.
Molecular consequence: missense variant.
Genome position (GRCh38, 1-based): chr5:170,253,135, G>C on the plus strand (C>G on the coding strand, the complement: LCP2 is on the minus strand). VCF-style: chr5-170253135-G-C. GRCh37 (hg19) VCF-style: chr5-169680139-G-C.
Other names: short protein forms S410C.
Identifiers: ClinVar variation 2656067 (VCV002656067.25), dbSNP rs34192428, ClinGen allele CA3555378.